The following is an entry in ClinVar:

NM_000044.6(AR):c.171GCA[9] (p.Gln67_Gln80del)

Genes: AR (androgen receptor; plus strand), LOC109504725 (androgen receptor repeat instability region; plus strand). Cytogenetic location: Xq12.
Variant type: Microsatellite.
Coding change: c.171GCA[9] on transcript NM_000044.6 (MANE Select); nine copies in a row of the 3-base unit GCA starting at c.171; the reference has 23 copies in a row; 14 copies, 42 bases deleted.
Protein change: p.Gln67_Gln80del.
Molecular consequence: 5 prime UTR variant (on NM_001011645.3). On other transcripts: inframe indel (1).
Genome position (GRCh38, 1-based): chrX:67,545,344-67,545,385, 42 bases deleted; deleting any 42 consecutive bases within chrX:67,545,317-67,545,385 gives the same sequence; the position shown is the placement nearest the transcript's 3' end. GRCh37 (hg19), VCF-style position (the base before the change): chrX:66,765,158.
Other names: c.-1613GCA[9] (NM_001011645.3); c.171GCA[9], p.Gln67_Gln80del (NM_001348061.1, NM_001348063.1, NM_001348064.1); c.171_173GCA[9], p.Gln67_Gln80del (NM_001424175.1); c.198_239del42 (NM_000044.6).
Identifiers: ClinVar variation 3053691 (VCV003053691.3), dbSNP rs3032358, ClinGen allele CA877548093.

ClinVar aggregate classification (germline): Likely benign. Review status: criteria provided, single submitter (1 of 4 stars). 2 submissions from 2 submitters: Likely benign (1). 1 of the submissions does not count toward it. Last evaluated 2026-05-15.

Conditions:
AR-related disorder. Also called: AR-related condition.

Submissions (2):

Women's Health and Genetics/Laboratory Corporation of America, LabCorp
Classification: Likely benign. Last evaluated: 2026-05-15. Review status: criteria provided, single submitter. Criteria: LabCorp Variant Classification Summary - May 2015. Collection method: clinical testing. Allele origin: germline.
Comment: Variant summary: AR c.198_239del42 (p.Gln67_Gln80del) results in an in-frame deletion that is predicted to remove 14 amino acids from the encoded protein. The variant allele was found at a frequency of 0.00023 in 1003939 control chromosomes including 80 hemizygotes. To our knowledge, no occurrence of c.198_239del42 in individuals affected with AR-related conditions and no experimental evidence demonstrating its impact on protein function have been reported. ClinVar contains an entry for this variant (Variation ID: 3053691). Based on the evidence outlined above, the variant was classified as likely benign.

PreventionGenetics, part of Exact Sciences
Classification: Benign for AR-related condition. Last evaluated: 2019-09-17. Review status: no assertion criteria provided. Collection method: clinical testing. Allele origin: germline. Not counted in ClinVar's aggregate classification.
Comment: This variant is classified as benign based on ACMG/AMP sequence variant interpretation guidelines (Richards et al. 2015 PMID: 25741868, with internal and published modifications).